The following is an entry in ClinVar:

NM_153816.6(SNX14):c.1046G>A (p.Arg349His)

Gene: SNX14 (sorting nexin 14; minus strand). Cytogenetic location: 6q14.3.
Variant type: single nucleotide variant.
Coding change: c.1046G>A on transcript NM_153816.6 (MANE Select); coding-DNA position 1046, G replaced by A.
Protein change: p.Arg349His; replaces arginine 349 with histidine.
Molecular consequence: missense variant. On other transcripts: 5 prime UTR variant (7), non-coding transcript variant (6).
Genome position (GRCh38, 1-based): chr6:85,547,174, C>T on the plus strand (G>A on the coding strand, the complement: SNX14 is on the minus strand). VCF-style: chr6-85547174-C-T. GRCh37 (hg19) VCF-style: chr6-86256892-C-T.
Other names: c.1046G>A (NM_153816.5); c.746G>A, p.Arg249His (NM_001350544.2); c.602G>A, p.Arg201His (NM_001350545.2, NM_001350546.2); c.-5G>A (NM_001350547.2); c.-106G>A (NM_001350548.2, NM_001350549.2, NM_001350550.2 and 2 more transcripts); c.-138G>A (NM_001350552.2); c.914G>A, p.Arg305His (NM_020468.6, NM_001350536.2); c.1046G>A, p.Arg349His (NM_001297614.3, NM_001350540.2, NM_001350541.2); and 8 more; short protein forms R305H, R296H, R348H, R349H, R201H, R253H, R301H, R304H.
Identifiers: ClinVar variation 4893320 (VCV004893320.2).

ClinVar aggregate classification (germline): Uncertain significance. Review status: criteria provided, multiple submitters, no conflicts (2 of 4 stars). 2 submissions from 2 submitters: Uncertain significance (2). Last evaluated 2026-02-09.

gnomAD v4.1: 11 of 1,613,884 alleles (0.00068%); highest among the groups gnomAD compares: Middle Eastern, 0.016%; no homozygotes.

Submissions (2):

GeneDx
Classification: Uncertain significance. Last evaluated: 2026-02-09. Review status: criteria provided, single submitter. Criteria: GeneDx Variant Classification Process June 2021. Collection method: clinical testing. Allele origin: germline.
Comment: Not observed at significant frequency in large population cohorts (gnomAD); In silico analysis suggests that this missense variant does not alter protein structure/function; Has not been previously published as pathogenic or benign to our knowledge

Blueprint Genetics
Classification: Uncertain significance. Last evaluated: 2022-06-19. Review status: criteria provided, single submitter. Criteria: ACMG Guidelines, 2015. Collection method: clinical testing. Allele origin: germline.